The following is an entry in ClinVar:

ClinVar aggregate classification (germline): Uncertain significance (1 of 4 stars; one submission).

Allele frequency attached by ClinVar (database versions not stated): ExAC 0.00001; gnomAD exomes 0.00001; gnomAD 0.00003; TOPMed 0.00003; ESP Exome Variant Server 0.00015.
gnomAD v4.1: 24 of 1,612,478 alleles (0.0015%); highest among the groups gnomAD compares: Non-Finnish European, 0.0019%; no homozygotes.

Submission:

Labcorp Genetics (formerly Invitae), Labcorp
Classification: Uncertain significance. Last evaluated: 2020-04-29. Review status: criteria provided, single submitter. Criteria: Invitae Variant Classification Sherloc (09022015). Collection method: clinical testing. Allele origin: germline.
Comment: This sequence change falls in intron 7 of the LCA5 gene. It does not directly change the encoded amino acid sequence of the LCA5 protein, but it affects a nucleotide within the consensus splice site of the intron. This variant is present in population databases (rs200194617, ExAC 0.001%). This variant has not been reported in the literature in individuals with LCA5-related conditions. Nucleotide substitutions within the consensus splice site are a relatively common cause of aberrant splicing (PMID: 17576681, 9536098). Algorithms developed to predict the effect of sequence changes on RNA splicing suggest that this variant may disrupt the consensus splice site, but this prediction has not been confirmed by published transcriptional studies. In summary, the available evidence is currently insufficient to determine the role of this variant in disease. Therefore, it has been classified as a Variant of Uncertain Significance.

Literature cited by the submitters: PubMed 17576681; PubMed 9536098.

NM_001122769.3(LCA5):c.1098+3G>T

Gene: LCA5 (lebercilin LCA5; minus strand). Cytogenetic location: 6q14.1.
Variant type: single nucleotide variant.
Coding change: c.1098+3G>T on transcript NM_001122769.3 (MANE Select); 3 bases into the intron after coding-DNA position 1098, G replaced by T.
Molecular consequence: intron variant.
Genome position (GRCh38, 1-based): chr6:79,491,585, C>A on the plus strand (G>T on the coding strand, the complement: LCA5 is on the minus strand). VCF-style: chr6-79491585-C-A. GRCh37 (hg19) VCF-style: chr6-80201302-C-A.
Other names: c.1098+3G>T (NM_181714.4).
Identifiers: ClinVar variation 2083004 (VCV002083004.1), dbSNP rs200194617, ClinGen allele CA3900943.